The following is an entry in ClinVar:

NM_015662.3(IFT172):c.1333A>C (p.Ile445Leu)

Gene: IFT172 (intraflagellar transport 172; minus strand). Cytogenetic location: 2p23.3.
Variant type: single nucleotide variant.
Coding change: c.1333A>C on transcript NM_015662.3 (MANE Select); coding-DNA position 1333, A replaced by C.
Protein change: p.Ile445Leu; replaces isoleucine 445 with leucine.
Molecular consequence: missense variant.
Genome position (GRCh38, 1-based): chr2:27,476,719, T>G on the plus strand (A>C on the coding strand, the complement: IFT172 is on the minus strand). VCF-style: chr2-27476719-T-G. GRCh37 (hg19) VCF-style: chr2-27699586-T-G.
Other names: c.1333A>C, p.Ile445Leu (NM_001410739.1); c.1333A>C (NM_015662.2); short protein forms I445L.
Identifiers: ClinVar variation 2338896 (VCV002338896.3), dbSNP rs956566812, ClinGen allele CA44512920.

ClinVar aggregate classification (germline): Uncertain significance. Review status: criteria provided, single submitter (1 of 4 stars). 2 submissions from 2 submitters: Uncertain significance (1). 1 of the submissions does not count toward it. Last evaluated 2022-12-21.

Conditions:
IFT172-related disorder. Also called: IFT172-related condition; IFT172-related disorders.
Inborn genetic diseases. Identifiers: MedGen C0950123, MeSH D030342.

Allele frequency attached by ClinVar (database versions not stated): gnomAD 0.00001; TOPMed 0.00001.
gnomAD v4.1: 1 of 1,611,756 alleles (0.000062%); highest among the groups gnomAD compares: African/African-American, 0.0013%; no homozygotes.

Submissions (2):

Ambry Genetics
Classification: Uncertain significance for Inborn genetic diseases. Last evaluated: 2022-12-21. Review status: criteria provided, single submitter. Criteria: Ambry Variant Classification Scheme 2023. Collection method: clinical testing. Allele origin: germline.

PreventionGenetics, part of Exact Sciences
Classification: Uncertain significance for IFT172-related condition. Last evaluated: 2024-02-08. Review status: no assertion criteria provided. Collection method: clinical testing. Allele origin: germline. Not counted in ClinVar's aggregate classification.
Comment: The IFT172 c.1333A>C variant is predicted to result in the amino acid substitution p.Ile445Leu. To our knowledge, this variant has not been reported in the literature or in a large population database, indicating this variant is rare. At this time, the clinical significance of this variant is uncertain due to the absence of conclusive functional and genetic evidence.